The following is an entry in ClinVar:

NM_015338.6(ASXL1):c.3612C>G (p.Cys1204Trp)

Gene: ASXL1 (ASXL transcriptional regulator 1; plus strand). Cytogenetic location: 20q11.21.
Variant type: single nucleotide variant.
Coding change: c.3612C>G on transcript NM_015338.6 (MANE Select); coding-DNA position 3612, C replaced by G.
Protein change: p.Cys1204Trp; replaces cysteine 1204 with tryptophan.
Molecular consequence: missense variant.
Genome position (GRCh38, 1-based): chr20:32,436,324, C>G. VCF-style: chr20-32436324-C-G. GRCh37 (hg19) VCF-style: chr20-31024127-C-G.
Other names: c.3429C>G, p.Cys1143Trp (NM_001363734.1); short protein forms C1204W, C1143W.
Identifiers: ClinVar variation 3674530 (VCV003674530.2), dbSNP rs201397030.

ClinVar aggregate classification (germline): Uncertain significance (1 of 4 stars; one submission).

Allele frequency attached by ClinVar (database versions not stated): ExAC 0.00001; gnomAD exomes 0.00001; TOPMed 0.00005; 1000 Genomes Project 0.00040.
gnomAD v4.1: 22 of 1,613,994 alleles (0.0014%); highest among the groups gnomAD compares: East Asian, 0.042%; no homozygotes.

Submission:

Labcorp Genetics (formerly Invitae), Labcorp
Classification: Uncertain significance. Last evaluated: 2024-11-19. Review status: criteria provided, single submitter. Criteria: Invitae Variant Classification Sherloc (09022015). Collection method: clinical testing. Allele origin: germline.
Comment: This sequence change replaces cysteine, which is neutral and slightly polar, with tryptophan, which is neutral and slightly polar, at codon 1204 of the ASXL1 protein (p.Cys1204Trp). This variant is present in population databases (rs201397030, gnomAD 0.01%). This variant has not been reported in the literature in individuals affected with ASXL1-related conditions. An algorithm developed to predict the effect of missense changes on protein structure and function (PolyPhen-2) suggests that this variant is likely to be tolerated. In summary, the available evidence is currently insufficient to determine the role of this variant in disease. Therefore, it has been classified as a Variant of Uncertain Significance.